The following is an entry in ClinVar:

NM_183381.3(RNF13):c.932del (p.Leu311fs)

Gene: RNF13 (ring finger protein 13; plus strand). Cytogenetic location: 3q25.1.
Variant type: Deletion.
Coding change: c.932del on transcript NM_183381.3 (MANE Select); coding-DNA position 932, one base deleted (T; older notation c.932delT).
Protein change: p.Leu311fs; shifts the reading frame from leucine 311.
Molecular consequence: frameshift variant. On other transcripts: non-coding transcript variant (1).
Genome position (GRCh38, 1-based): chr3:149,960,890, T deleted; the last of 3 consecutive T bases (chr3:149,960,888-149,960,890); deleting any one gives the same sequence. VCF-style (leftmost placement, unchanged base first): chr3-149960887-CT-C. GRCh37 (hg19) VCF-style: chr3-149678674-CT-C.
Other names: c.932del, p.Leu311fs (NM_001378285.1, NM_001378286.1, NM_007282.4); c.575del, p.Leu192fs (NM_001378287.1, NM_001378288.1, NM_001378289.1 and 2 more transcripts); c.539del, p.Leu180fs (NM_001378291.1); c.932delT (NM_007282.4); short protein forms L180fs, L192fs, L311fs.
Identifiers: ClinVar variation 1204067 (VCV001204067.3), dbSNP rs2108622433, ClinGen allele CA2499216561.

ClinVar aggregate classification (germline): Likely pathogenic (1 of 4 stars; one submission).

Submission:

GeneDx
Classification: Likely pathogenic. Last evaluated: 2019-10-03. Review status: criteria provided, single submitter. Criteria: GeneDx Variant Classification Process June 2021. Collection method: clinical testing. Allele origin: germline. Affected: yes.
Comment: Not observed in large population cohorts (Lek et al., 2016); Frameshift variant predicted to result in protein truncation as the last 71 amino acids are lost and replaced with 1 incorrect amino acid, although loss-of-function variants have not been reported downstream of this position in the protein; Has not been previously published as pathogenic or benign to our knowledge